The following continues an entry in ClinVar:

NM_001267550.2(TTN):c.20341G>A (p.Glu6781Lys)

Gene: TTN. ClinVar aggregate classification (germline): Conflicting classifications of pathogenicity. Uncertain significance (10); Benign (4); Likely benign (8).

Submissions 17 to 26 of 26:

Illumina Laboratory Services, Illumina
Classification: Uncertain significance for Early-onset myopathy with fatal cardiomyopathy. Last evaluated: 2017-04-27. Review status: criteria provided, single submitter. Criteria: ICSL Variant Classification Criteria 13 December 2019. Collection method: clinical testing. Allele origin: germline.

Illumina Laboratory Services, Illumina
Classification: Benign for Myopathy, myofibrillar, 9, with early respiratory failure. Last evaluated: 2017-04-27. Review status: criteria provided, single submitter. Criteria: ICSL Variant Classification Criteria 13 December 2019. Collection method: clinical testing. Allele origin: germline.
Comment: This variant was observed as part of a predisposition screen in an ostensibly healthy population. A literature search was performed for the gene, cDNA change, and amino acid change (where applicable). No publications were found based on this search. Allele frequency data from public databases was too high to be consistent with this variant causing disease. Therefore, this variant is classified as benign.

Illumina Laboratory Services, Illumina
Classification: Uncertain significance for Autosomal recessive limb-girdle muscular dystrophy type 2J. Last evaluated: 2017-04-27. Review status: criteria provided, single submitter. Criteria: ICSL Variant Classification Criteria 13 December 2019. Collection method: clinical testing. Allele origin: germline.

Genetic Services Laboratory, University of Chicago
Classification: Uncertain significance. Last evaluated: 2016-09-20. Review status: criteria provided, single submitter. Criteria: ACMG Guidelines, 2015. Collection method: clinical testing. Allele origin: germline. Affected: no.

Laboratory for Molecular Medicine, Mass General Brigham Personalized Medicine
Classification: Uncertain significance. Last evaluated: 2014-09-19. Review status: criteria provided, single submitter. Criteria: LMM Criteria. Collection method: clinical testing. Allele origin: germline. Observed: 7 variant alleles.
Comment: Variant classified as Uncertain Significance - Favor Benign. Th is variant has also been identified in 0.1% (12/8216) of European American chrom osomes by the NHLBI Exome Sequencing Project (Ng 2013; dbSNP rs72648958). Computational prediction tools and conservation ana lysis do not provide strong support for or against an impact to the protein. In summary, while the clinical significance of the p.Glu5537Lys variant is uncertai n, its presence in various cardiomyopathies with different mechanisms of disease and its frequency in controls suggests that it is more likely to be benign.

Biesecker Lab/Clinical Genomics Section, National Institutes of Health
Classification: Likely benign. Last evaluated: 2013-06-24. Review status: criteria provided, single submitter. Criteria: Ng et al. (Circ Cardiovasc Genet. 2013). Collection method: research. Allele origin: unknown. Observed: 1 variant allele. Study: ClinSeq.
Comment: The study set was not selected for affection status in relation to any cancer. Pathogenicity categories were based on literature curation. See Pubmed ID:23861362 for details.

Medical sequencing

PreventionGenetics, part of Exact Sciences
Classification: Likely benign for TTN-related condition. Last evaluated: 2022-08-11. Review status: no assertion criteria provided. Collection method: clinical testing. Allele origin: germline. Not counted in ClinVar's aggregate classification.
Comment: This variant is classified as likely benign based on ACMG/AMP sequence variant interpretation guidelines (Richards et al. 2015 PMID: 25741868, with internal and published modifications).

Clinical Genetics DNA and cytogenetics Diagnostics Lab, Erasmus MC, Erasmus Medical Center
Classification: Likely benign. Review status: no assertion criteria provided. Collection method: clinical testing. Allele origin: germline. Affected: yes. Study: VKGL Data-share Consensus. Not counted in ClinVar's aggregate classification.

Clinical Genetics, Academic Medical Center
Classification: Benign. Review status: no assertion criteria provided. Collection method: clinical testing. Allele origin: germline. Affected: yes. Study: VKGL Data-share Consensus. Not counted in ClinVar's aggregate classification.

Diagnostic Laboratory, Department of Genetics, University Medical Center Groningen
Classification: Likely benign. Review status: no assertion criteria provided. Collection method: clinical testing. Allele origin: germline. Affected: yes. Study: VKGL Data-share Consensus. Not counted in ClinVar's aggregate classification.

Literature cited by the submitters: PubMed 23396983 (cited by Mayo Clinic Laboratories, Mayo Clinic); PubMed 23861362 (cited by 3 submitters); PubMed 26516846 (cited by 3 submitters); PubMed 28771489 (cited by 3 submitters); PubMed 29511324 (cited by 3 submitters).